The following is an entry in ClinVar:

NM_001171613.2(PREPL):c.172A>G (p.Asn58Asp)

Gene: PREPL (prolyl endopeptidase like; minus strand). Cytogenetic location: 2p21.
Variant type: single nucleotide variant.
Coding change: c.172A>G on transcript NM_001171613.2 (MANE Select); coding-DNA position 172, A replaced by G.
Protein change: p.Asn58Asp; replaces asparagine 58 with aspartic acid.
Molecular consequence: missense variant.
Genome position (GRCh38, 1-based): chr2:44,343,922, T>C on the plus strand (A>G on the coding strand, the complement: PREPL is on the minus strand). VCF-style: chr2-44343922-T-C. GRCh37 (hg19) VCF-style: chr2-44571061-T-C.
Other names: c.439A>G, p.Asn147Asp (NM_001374276.1, NM_006036.4, NM_001171603.1 and 4 more transcripts); c.172A>G, p.Asn58Asp (NM_001374277.1, NM_001171617.1); short protein forms N147D, N58D.
Identifiers: ClinVar variation 1053138 (VCV001053138.7), dbSNP rs370680461, ClinGen allele CA1641577.

ClinVar aggregate classification (germline): Uncertain significance (1 of 4 stars; one submission).

Conditions:
Myasthenic syndrome, congenital, 22 (CMS22). Also called: PREPL DEFICIENCY. Identifiers: MedGen C4479088, MONDO:0044299, OMIM 616224.

Allele frequency attached by ClinVar (database versions not stated): gnomAD exomes 0.00002; ExAC 0.00003; gnomAD 0.00002; ESP Exome Variant Server 0.00008; TOPMed 0.00001.
gnomAD v4.1: 35 of 1,613,818 alleles (0.0022%); highest among the groups gnomAD compares: Non-Finnish European, 0.0026%; no homozygotes.

Submission:

Labcorp Genetics (formerly Invitae), Labcorp
Classification: Uncertain significance for Myasthenic syndrome, congenital, 22. Last evaluated: 2022-07-11. Review status: criteria provided, single submitter. Criteria: Invitae Variant Classification Sherloc (09022015). Collection method: clinical testing. Allele origin: germline.
Comment: This variant is present in population databases (rs370680461, gnomAD 0.005%). This sequence change replaces asparagine, which is neutral and polar, with aspartic acid, which is acidic and polar, at codon 147 of the PREPL protein (p.Asn147Asp). This variant has not been reported in the literature in individuals affected with PREPL-related conditions. In summary, the available evidence is currently insufficient to determine the role of this variant in disease. Therefore, it has been classified as a Variant of Uncertain Significance. Algorithms developed to predict the effect of missense changes on protein structure and function (SIFT, PolyPhen-2, Align-GVGD) all suggest that this variant is likely to be tolerated. ClinVar contains an entry for this variant (Variation ID: 1053138).